The following is an entry in ClinVar:

NM_003839.4(TNFRSF11A):c.776G>A (p.Gly259Glu)

Gene: TNFRSF11A (TNF receptor superfamily member 11a; plus strand). Cytogenetic location: 18q21.33.
Variant type: single nucleotide variant.
Coding change: c.776G>A on transcript NM_003839.4 (MANE Select); coding-DNA position 776, G replaced by A.
Protein change: p.Gly259Glu; replaces glycine 259 with glutamic acid.
Molecular consequence: missense variant. On other transcripts: intron variant (2).
Genome position (GRCh38, 1-based): chr18:62,366,753, G>A. VCF-style: chr18-62366753-G-A. GRCh37 (hg19) VCF-style: chr18-60033986-G-A.
Other names: c.776G>A, p.Gly259Glu (NM_001270949.2); c.734G>A, p.Gly245Glu (NM_001278268.2); c.730+4960G>A (NM_001270950.2); c.616+6704G>A (NM_001270951.2); short protein forms G245E, G259E.
Identifiers: ClinVar variation 1719176 (VCV001719176.5), dbSNP rs2511586374, ClinGen allele CA402615131.

ClinVar aggregate classification (germline): Uncertain significance (1 of 4 stars; one submission).

Submission:

Labcorp Genetics (formerly Invitae), Labcorp
Classification: Uncertain significance. Last evaluated: 2022-09-10. Review status: criteria provided, single submitter. Criteria: Invitae Variant Classification Sherloc (09022015). Collection method: clinical testing. Allele origin: germline.
Comment: In summary, the available evidence is currently insufficient to determine the role of this variant in disease. Therefore, it has been classified as a Variant of Uncertain Significance. Advanced modeling of protein sequence and biophysical properties (such as structural, functional, and spatial information, amino acid conservation, physicochemical variation, residue mobility, and thermodynamic stability) performed at Invitae indicates that this missense variant is not expected to disrupt TNFRSF11A protein function. This variant has not been reported in the literature in individuals affected with TNFRSF11A-related conditions. This variant is not present in population databases (gnomAD no frequency). This sequence change replaces glycine, which is neutral and non-polar, with glutamic acid, which is acidic and polar, at codon 259 of the TNFRSF11A protein (p.Gly259Glu).